The following is an entry in ClinVar:

ClinVar aggregate classification (germline): Conflicting classifications of pathogenicity. Review status: criteria provided, conflicting classifications (1 of 4 stars). 4 submissions from 3 submitters: Uncertain significance (3); Likely benign (1). Last evaluated 2025-04-14.

Conditions:
Cone-rod dystrophy 11 (CORD11). Identifiers: Orphanet 1872, MedGen C1835865, MONDO:0012483, OMIM 610381.
Age related macular degeneration 6. Identifiers: MedGen C3151060, MONDO:0013406, OMIM 613757.

Allele frequency attached by ClinVar (database versions not stated): gnomAD exomes 0.00002 and 0.00003; TOPMed 0.00003; ExAC 0.00004; gnomAD 0.00005; ESP Exome Variant Server 0.00008.
gnomAD v4.1: 43 of 1,612,808 alleles (0.0027%); highest among the groups gnomAD compares: Admixed American, 0.01%; no homozygotes.

Submissions (4):

Labcorp Genetics (formerly Invitae), Labcorp
Classification: Uncertain significance. Last evaluated: 2025-04-14. Review status: criteria provided, single submitter. Criteria: Invitae Variant Classification Sherloc (09022015). Collection method: clinical testing. Allele origin: germline.
Comment: This sequence change replaces arginine, which is basic and polar, with glutamine, which is neutral and polar, at codon 44 of the RAX2 protein (p.Arg44Gln). This variant is present in population databases (rs370757303, gnomAD 0.008%). This variant has not been reported in the literature in individuals affected with RAX2-related conditions. ClinVar contains an entry for this variant (Variation ID: 892560). An algorithm developed to predict the effect of missense changes on protein structure and function (PolyPhen-2) suggests that this variant is likely to be tolerated. In summary, the available evidence is currently insufficient to determine the role of this variant in disease. Therefore, it has been classified as a Variant of Uncertain Significance.

Blueprint Genetics
Classification: Uncertain significance. Last evaluated: 2022-03-28. Review status: criteria provided, single submitter. Criteria: ACMG Guidelines, 2015. Collection method: clinical testing. Allele origin: germline.

Illumina Laboratory Services, Illumina
Classification: Uncertain significance for Age related macular degeneration 6. Last evaluated: 2018-01-13. Review status: criteria provided, single submitter. Criteria: ICSL Variant Classification Criteria 13 December 2019. Collection method: clinical testing. Allele origin: germline.

Illumina Laboratory Services, Illumina
Classification: Likely benign for Cone-rod dystrophy 11. Last evaluated: 2018-01-13. Review status: criteria provided, single submitter. Criteria: ICSL Variant Classification Criteria 13 December 2019. Collection method: clinical testing. Allele origin: germline.
Comment: This variant was observed in the ICSL laboratory as part of a predisposition screen in an ostensibly healthy population. It had not been previously curated by ICSL or reported in the Human Gene Mutation Database (HGMD: prior to June 1st, 2018), and was therefore a candidate for classification through an automated scoring system. Utilizing variant allele frequency, disease prevalence and penetrance estimates, and inheritance mode, an automated score was calculated to assess if this variant is too frequent to cause the disease. Based on the score and internal cut-off values, a variant classified as likely benign is not then subjected to further curation. The score for this variant resulted in a classification of likely benign for this disease.

NM_001319074.4(RAX2):c.131G>A (p.Arg44Gln)

Gene: RAX2 (retina and anterior neural fold homeobox 2; minus strand). Cytogenetic location: 19p13.3.
Variant type: single nucleotide variant.
Coding change: c.131G>A on transcript NM_001319074.4 (MANE Select); coding-DNA position 131, G replaced by A.
Protein change: p.Arg44Gln; replaces arginine 44 with glutamine.
Molecular consequence: missense variant.
Genome position (GRCh38, 1-based): chr19:3,771,612, C>T on the plus strand (G>A on the coding strand, the complement: RAX2 is on the minus strand). VCF-style: chr19-3771612-C-T. GRCh37 (hg19) VCF-style: chr19-3771610-C-T.
Other names: c.131G>A, p.Arg44Gln (NM_032753.4); short protein forms R44Q.
Identifiers: ClinVar variation 892560 (VCV000892560.10), dbSNP rs370757303, ClinGen allele CA9085111.